The following is an entry in ClinVar:

ClinVar aggregate classification (germline): Uncertain significance (1 of 4 stars; one submission).

Conditions:
Bethlem myopathy 1A. Also called: MYOPATHY, BENIGN CONGENITAL, WITH CONTRACTURES; Bethlem myopathy 1; Bethlem Muscular Dystrophy. Identifiers: Orphanet 610, MedGen CN029274, MONDO:0024530, OMIM 158810.

gnomAD v4.1: 10 of 1,614,130 alleles (0.00062%); highest among the groups gnomAD compares: East Asian, 0.022%; no homozygotes.

Submission:

Labcorp Genetics (formerly Invitae), Labcorp
Classification: Uncertain significance for Bethlem myopathy 1A. Last evaluated: 2025-03-31. Review status: criteria provided, single submitter. Criteria: Invitae Variant Classification Sherloc (09022015). Collection method: clinical testing. Allele origin: germline.
Comment: This sequence change replaces serine, which is neutral and polar, with asparagine, which is neutral and polar, at codon 2652 of the COL6A3 protein (p.Ser2652Asn). This variant is not present in population databases (gnomAD no frequency). This variant has not been reported in the literature in individuals affected with COL6A3-related conditions. Invitae Evidence Modeling of protein sequence and biophysical properties (such as structural, functional, and spatial information, amino acid conservation, physicochemical variation, residue mobility, and thermodynamic stability) indicates that this missense variant is expected to disrupt COL6A3 protein function with a positive predictive value of 80%. In summary, the available evidence is currently insufficient to determine the role of this variant in disease. Therefore, it has been classified as a Variant of Uncertain Significance.

NM_004369.4(COL6A3):c.7955G>A (p.Ser2652Asn)

Gene: COL6A3 (collagen type VI alpha 3 chain; minus strand). Cytogenetic location: 2q37.3.
Variant type: single nucleotide variant.
Coding change: c.7955G>A on transcript NM_004369.4 (MANE Select); coding-DNA position 7955, G replaced by A.
Protein change: p.Ser2652Asn; replaces serine 2652 with asparagine.
Molecular consequence: missense variant.
Genome position (GRCh38, 1-based): chr2:237,340,961, C>T on the plus strand (G>A on the coding strand, the complement: COL6A3 is on the minus strand). VCF-style: chr2-237340961-C-T. GRCh37 (hg19) VCF-style: chr2-238249604-C-T.
Other names: c.6134G>A, p.Ser2045Asn (NM_057166.5); c.7337G>A, p.Ser2446Asn (NM_057167.4); short protein forms S2045N, S2446N, S2652N.
Identifiers: ClinVar variation 4692356 (VCV004692356.1).